The following is an entry in ClinVar:

NC_000016.9:g.(?_2089925)_(2138611_?)dup

Genes: NTHL1 (nth like DNA glycosylase 1; minus strand), TSC2 (TSC complex subunit 2; plus strand). Cytogenetic location: 16p13.3.
Variant type: Duplication.
Identifiers: ClinVar variation 3243459 (VCV003243459.1).

ClinVar aggregate classification (germline): Uncertain significance (1 of 4 stars; one submission).

Conditions:
Tuberous sclerosis 2 (TSC2). Identifiers: Orphanet 805, MedGen C1860707, MONDO:0013199, OMIM 613254.

Submission:

Labcorp Genetics (formerly Invitae), Labcorp
Classification: Uncertain significance for Tuberous sclerosis 2. Last evaluated: 2023-12-01. Review status: criteria provided, single submitter. Criteria: Invitae Variant Classification Sherloc (09022015). Collection method: clinical testing. Allele origin: unknown.
Comment: A copy number gain of the genomic region encompassing the full coding sequence of the TSC2 gene has been identified. The boundaries of this event are unknown as they extend beyond the assayed region for this gene and therefore may encompass additional genes. As the precise location of this event is unknown, it may be in tandem or it may be located elsewhere in the genome. A similar copy number variant has been observed in individual(s) with tuberous sclerosis complex (PMID: 29432982). In summary, the available evidence is currently insufficient to determine the role of this variant in disease. Therefore, it has been classified as a Variant of Uncertain Significance.

Literature cited by the submitters: PubMed 29432982.